The following is an entry in ClinVar:

ClinVar aggregate classification (germline): Pathogenic (1 of 4 stars; one submission).

Conditions:
Hereditary spastic paraplegia 4. Also called: Familial spastic paraplegia autosomal dominant 2; Spastic paraplegia 4, autosomal dominant; Spastic Paraplegia 4. Identifiers: Orphanet 100985, MedGen C1866855, MONDO:0008438, OMIM 182601.

Submission:

Labcorp Genetics (formerly Invitae), Labcorp
Classification: Pathogenic for Hereditary spastic paraplegia 4. Last evaluated: 2025-11-06. Review status: criteria provided, single submitter. Criteria: Invitae Variant Classification Sherloc (09022015). Collection method: clinical testing. Allele origin: germline.
Comment: This sequence change creates a premature translational stop signal (p.Ser545*) in the SPAST gene. It is expected to result in an absent or disrupted protein product. Loss-of-function variants in SPAST are known to be pathogenic (PMID: 20932283). This variant is not present in population databases (gnomAD no frequency). This variant has not been reported in the literature in individuals affected with SPAST-related conditions. For these reasons, this variant has been classified as Pathogenic.

Literature cited by the submitters: PubMed 20932283.

NM_014946.4(SPAST):c.1634C>A (p.Ser545Ter)

Gene: SPAST (spastin; plus strand). Cytogenetic location: 2p22.3.
Variant type: single nucleotide variant.
Coding change: c.1634C>A on transcript NM_014946.4 (MANE Select); coding-DNA position 1634, C replaced by A.
Protein change: p.Ser545Ter; replaces serine 545 with a stop codon.
Molecular consequence: nonsense. On other transcripts: intron variant (1).
Genome position (GRCh38, 1-based): chr2:32,144,954, C>A. VCF-style: chr2-32144954-C-A. GRCh37 (hg19) VCF-style: chr2-32370023-C-A.
Other names: c.1535C>A, p.Ser512Ter (NM_001363875.2); c.1538C>A, p.Ser513Ter (NM_199436.2); c.1520+1539C>A (NM_001377959.1); c.1631C>A, p.Ser544Ter (NM_001363823.2); short protein forms S513*, S544*, S512*, S545*.
Identifiers: ClinVar variation 4711964 (VCV004711964.1).